The following is an entry in ClinVar:

ClinVar aggregate classification (germline): Conflicting classifications of pathogenicity. Review status: criteria provided, conflicting classifications (1 of 4 stars). 8 submissions from 8 submitters: Uncertain significance (2); Likely benign (5). 1 of the submissions does not count toward it. Last evaluated 2026-01-07.

Conditions:
CDH3-related disorder. Also called: CDH3-related condition.
Retinal dystrophy. Also called: Inherited retinal dystrophy. Identifiers: Orphanet 71862, MedGen C0854723, MeSH D058499, MONDO:0019118, HP:0000556.
EEM syndrome (EEMS). Identifiers: Orphanet 1897, MedGen C1857041, MONDO:0009155, OMIM 225280.

Allele frequency attached by ClinVar (database versions not stated): 1000 Genomes Project 30x 0.00016; 1000 Genomes Project 0.00020; ExAC 0.00133; gnomAD exomes 0.00138 and 0.00274; TOPMed 0.00159; gnomAD 0.00166 and 0.00175; ESP Exome Variant Server 0.00200.
gnomAD v4.1: 4,204 of 1,614,092 alleles (0.26%); highest among the groups gnomAD compares: Non-Finnish European, 0.34%; 14 homozygotes.

Submissions (8):

Labcorp Genetics (formerly Invitae), Labcorp
Classification: Likely benign. Last evaluated: 2026-01-07. Review status: criteria provided, single submitter. Criteria: Invitae Variant Classification Sherloc (09022015). Collection method: clinical testing. Allele origin: germline.

CeGaT Center for Human Genetics Tuebingen
Classification: Likely benign. Last evaluated: 2025-11-01. Review status: criteria provided, single submitter. Criteria: CeGaT Center For Human Genetics Tuebingen Variant Classification Criteria Version 2. Collection method: clinical testing. Allele origin: germline. Affected: yes. Observed: 1 variant allele.
Comment: CDH3: BP4, BS2

Blueprint Genetics
Classification: Likely benign. Last evaluated: 2024-11-27. Review status: criteria provided, single submitter. Criteria: ACMG Guidelines, 2015. Collection method: clinical testing. Allele origin: germline.

Institute of Human Genetics, Univ. Regensburg, Univ. Regensburg
Classification: Uncertain significance for Retinal dystrophy. Last evaluated: 2019-01-01. Review status: criteria provided, single submitter. Criteria: ACMG Guidelines, 2015. Collection method: clinical testing. Allele origin: germline. Affected: yes.

GeneDx
Classification: Likely benign. Last evaluated: 2018-08-03. Review status: criteria provided, single submitter. Criteria: GeneDx Variant Classification Process June 2021. Collection method: clinical testing. Allele origin: germline. Affected: yes.

Illumina Laboratory Services, Illumina
Classification: Uncertain significance for EEM syndrome. Last evaluated: 2018-01-13. Review status: criteria provided, single submitter. Criteria: ICSL Variant Classification Criteria 13 December 2019. Collection method: clinical testing. Allele origin: germline.

Eurofins Ntd Llc (ga)
Classification: Likely benign. Last evaluated: 2015-04-03. Review status: criteria provided, single submitter. Criteria: EGL Classification Definitions 2015. Collection method: clinical testing. Allele origin: germline. Observed: 1 variant allele, 1 heterozygote.

PreventionGenetics, part of Exact Sciences
Classification: Likely benign for CDH3-related condition. Last evaluated: 2023-02-09. Review status: no assertion criteria provided. Collection method: clinical testing. Allele origin: germline. Not counted in ClinVar's aggregate classification.
Comment: This variant is classified as likely benign based on ACMG/AMP sequence variant interpretation guidelines (Richards et al. 2015 PMID: 25741868, with internal and published modifications).

Literature cited by the submitters: PubMed 32483926 (cited by Institute of Human Genetics, Univ. Regensburg, Univ. Regensburg).

NM_001793.6(CDH3):c.1436T>C (p.Leu479Pro)

Gene: CDH3 (cadherin 3; plus strand). Cytogenetic location: 16q22.1.
Variant type: single nucleotide variant.
Coding change: c.1436T>C on transcript NM_001793.6 (MANE Select); coding-DNA position 1436, T replaced by C.
Protein change: p.Leu479Pro; replaces leucine 479 with proline.
Molecular consequence: missense variant.
Genome position (GRCh38, 1-based): chr16:68,685,216, T>C. VCF-style: chr16-68685216-T-C. GRCh37 (hg19) VCF-style: chr16-68719119-T-C.
Other names: c.1436T>C, p.Leu479Pro (NM_001317195.3); c.1271T>C, p.Leu424Pro (NM_001317196.2); short protein forms L479P, L424P.
Identifiers: ClinVar variation 193847 (VCV000193847.30), dbSNP rs138190335, ClinGen allele CA200814.
Genomic context (GRCh38, chr16:68,685,216, plus strand): 5'-CAGAATTCTAAATATTCTGGATGTACTCGTCTCAACTTTTCCTCTCCAGCTACCGCATCC[T>C]GAGAGACCCAGCAGGGTGGCTAGCCATGGACCCAGACAGTGGGCAGGTCACAGCTGTGGG-3'
Protein context (NP_001784.2, residues 469-489): KENQKISYRI[Leu479Pro]RDPAGWLAMD